The following is an entry in ClinVar:

NM_018052.5(VAC14):c.1561C>T (p.Pro521Ser)

Gene: VAC14 (VAC14 component of PIKFYVE complex; minus strand). Cytogenetic location: 16q22.1.
Variant type: single nucleotide variant.
Coding change: c.1561C>T on transcript NM_018052.5 (MANE Select); coding-DNA position 1561, C replaced by T.
Protein change: p.Pro521Ser; replaces proline 521 with serine.
Molecular consequence: missense variant.
Genome position (GRCh38, 1-based): chr16:70,731,595, G>A on the plus strand (C>T on the coding strand, the complement: VAC14 is on the minus strand). VCF-style: chr16-70731595-G-A. GRCh37 (hg19) VCF-style: chr16-70765498-G-A.
Other names: c.1561C>T (NM_018052.3); c.859C>T, p.Pro287Ser (NM_001351157.2); short protein forms P521S, P287S.
Identifiers: ClinVar variation 1460807 (VCV001460807.9), dbSNP rs754572296, ClinGen allele CA8147588.
Genomic context (GRCh38, chr16:70,731,595, plus strand): 5'-CGCTGCTGAATCTCTTGAGAAGGTTGATCATGAACTTATAAAAGTAAGAATTCATGGTGG[G>A]AGTTGAAGGAGAACATTCTAAGCCTTTGGTACCTGTAGAGAAAGGGATAGAGCCAGCATT-3'
Protein context (NP_060522.3, residues 511-531): TKGLECSPST[Pro521Ser]TMNSYFYKFM

ClinVar aggregate classification (germline): Uncertain significance. Review status: criteria provided, multiple submitters, no conflicts (2 of 4 stars). 2 submissions from 2 submitters: Uncertain significance (2). Last evaluated 2025-08-01.

Conditions:
Inborn genetic diseases. Identifiers: MedGen C0950123, MeSH D030342.

Allele frequency attached by ClinVar (database versions not stated): ExAC 0.00001; gnomAD exomes 0.00001.
gnomAD v4.1: 4 of 1,614,102 alleles (0.00025%); highest among the groups gnomAD compares: Admixed American, 0.0017%; no homozygotes.

Submissions (2):

Ambry Genetics
Classification: Uncertain significance for Inborn genetic diseases. Last evaluated: 2025-08-01. Review status: criteria provided, single submitter. Criteria: Ambry Variant Classification Scheme 2023. Collection method: clinical testing. Allele origin: germline.

Labcorp Genetics (formerly Invitae), Labcorp
Classification: Uncertain significance. Last evaluated: 2022-06-27. Review status: criteria provided, single submitter. Criteria: Invitae Variant Classification Sherloc (09022015). Collection method: clinical testing. Allele origin: germline.
Comment: Algorithms developed to predict the effect of missense changes on protein structure and function (SIFT, PolyPhen-2, Align-GVGD) all suggest that this variant is likely to be tolerated. In summary, the available evidence is currently insufficient to determine the role of this variant in disease. Therefore, it has been classified as a Variant of Uncertain Significance. This variant has not been reported in the literature in individuals affected with VAC14-related conditions. This sequence change replaces proline, which is neutral and non-polar, with serine, which is neutral and polar, at codon 521 of the VAC14 protein (p.Pro521Ser). This variant is present in population databases (rs754572296, gnomAD 0.003%).